The following is an entry in ClinVar:

ClinVar aggregate classification (germline): Uncertain significance (1 of 4 stars; one submission).

Conditions:
KIDINS220-related disorder. Also called: KIDINS220-related condition.

Submission:

PreventionGenetics, part of Exact Sciences
Classification: Uncertain significance for KIDINS220-related condition. Last evaluated: 2026-08-07. Review status: criteria provided, single submitter. Criteria: ACMG Guidelines, 2015. Collection method: clinical testing. Allele origin: germline.
Comment: The KIDINS220 c.387T>G variant is predicted to result in the amino acid substitution p.Asn129Lys. To our knowledge, this variant has not been reported in the literature. This variant is reported in 0.0029% of alleles in individuals of Latino descent in gnomAD. At this time, the clinical significance of this variant is uncertain due to the absence of conclusive functional and genetic evidence.

NM_020738.4(KIDINS220):c.387T>G (p.Asn129Lys)

Gene: KIDINS220 (kinase D interacting substrate 220; minus strand). Cytogenetic location: 2p25.1.
Variant type: single nucleotide variant.
Coding change: c.387T>G on transcript NM_020738.4 (MANE Select); coding-DNA position 387, T replaced by G.
Protein change: p.Asn129Lys; replaces asparagine 129 with lysine.
Molecular consequence: missense variant. On other transcripts: non-coding transcript variant (2).
Genome position (GRCh38, 1-based): chr2:8,813,255, A>C on the plus strand (T>G on the coding strand, the complement: KIDINS220 is on the minus strand). VCF-style: chr2-8813255-A-C. GRCh37 (hg19) VCF-style: chr2-8953385-A-C.
Other names: c.387T>G, p.Asn129Lys (NM_001348729.2, NM_001348731.2, NM_001348732.2 and 9 more transcripts); c.261T>G, p.Asn87Lys (NM_001348736.2); short protein forms N129K, N87K.
Identifiers: ClinVar variation 4993179 (VCV004993179.1).